The following is an entry in ClinVar:

NM_173354.5(SIK1):c.1888G>A (p.Ala630Thr)

Gene: SIK1 (salt inducible kinase 1; minus strand). Cytogenetic location: 21q22.3.
Variant type: single nucleotide variant.
Coding change: c.1888G>A on transcript NM_173354.5 (MANE Select); coding-DNA position 1888, G replaced by A.
Protein change: p.Ala630Thr; replaces alanine 630 with threonine.
Molecular consequence: missense variant.
Genome position (GRCh38, 1-based): chr21:43,417,631, C>T on the plus strand (G>A on the coding strand, the complement: SIK1 is on the minus strand). VCF-style: chr21-43417631-C-T. GRCh37 (hg19) VCF-style: chr21-44837511-C-T.
Other names: short protein forms A630T.
Identifiers: ClinVar variation 845859 (VCV000845859.8), dbSNP rs202116743, ClinGen allele CA321324879.
Genomic context (GRCh38, chr21:43,417,631, plus strand): 5'-GGCTCCAGCCCTCCCGGCTGCCGGCTGCGCCGCCGTGCAGGCCTGGGCTCTGTGCAGGGG[C>T]GTGGAAGGGGCTCAGGCCGCCCCTGCTGGCCCGGCTGGCGGGGGCCTGGCACACCTGGCG-3'
Protein context (NP_775490.2, residues 620-640): ASRGGLSPFH[Ala630Thr]PAQSPGLHGG

ClinVar aggregate classification (germline): Uncertain significance (1 of 4 stars; one submission).

Conditions:
Developmental and epileptic encephalopathy, 30 (DEE30). Also called: Epileptic encephalopathy, early infantile, 30. Identifiers: MedGen C4225360, MONDO:0014595, OMIM 616341.

Allele frequency attached by ClinVar (database versions not stated): ExAC 0.00003; gnomAD 0.00003 and 0.00008; gnomAD exomes 0.00004; 1000 Genomes Project 0.00020.

Submission:

Labcorp Genetics (formerly Invitae), Labcorp
Classification: Uncertain significance for Developmental and epileptic encephalopathy, 30. Last evaluated: 2025-10-17. Review status: criteria provided, single submitter. Criteria: Invitae Variant Classification Sherloc (09022015). Collection method: clinical testing. Allele origin: germline.
Comment: This sequence change replaces alanine, which is neutral and non-polar, with threonine, which is neutral and polar, at codon 630 of the SIK1 protein (p.Ala630Thr). This variant is present in population databases (rs202116743, gnomAD 0.02%). This variant has not been reported in the literature in individuals affected with SIK1-related conditions. ClinVar contains an entry for this variant (Variation ID: 845859). Invitae Evidence Modeling of protein sequence and biophysical properties (such as structural, functional, and spatial information, amino acid conservation, physicochemical variation, residue mobility, and thermodynamic stability) indicates that this missense variant is not expected to disrupt SIK1 protein function with a negative predictive value of 95%. In summary, the available evidence is currently insufficient to determine the role of this variant in disease. Therefore, it has been classified as a Variant of Uncertain Significance.